The following is an entry in ClinVar:

ClinVar aggregate classification (germline): Uncertain significance. Review status: criteria provided, multiple submitters, no conflicts (2 of 4 stars). 2 submissions from 2 submitters: Uncertain significance (2). Last evaluated 2017-04-27.

Conditions:
Keratosis follicularis (DAR). Also called: Darier disease; Darier's disease. Identifiers: Orphanet 218, MedGen C0022595, MONDO:0007417, OMIM 124200.

Allele frequency attached by ClinVar (database versions not stated): TOPMed 0.00005; gnomAD exomes 0.00006; gnomAD 0.00007 and 0.00008; ESP Exome Variant Server 0.00008; ExAC 0.00010.
gnomAD v4.1: 95 of 1,614,044 alleles (0.0059%); highest among the groups gnomAD compares: Middle Eastern, 0.016%; no homozygotes.

Submissions (2):

Illumina Laboratory Services, Illumina
Classification: Uncertain significance for Keratosis follicularis. Last evaluated: 2017-04-27. Review status: criteria provided, single submitter. Criteria: ICSL Variant Classification Criteria 13 December 2019. Collection method: clinical testing. Allele origin: germline.

GeneDx
Classification: Uncertain significance. Last evaluated: 2017-02-28. Review status: criteria provided, single submitter. Criteria: GeneDx Variant Classification (06012015). Collection method: clinical testing. Allele origin: germline. Affected: yes.
Comment: The V933M variant has not been published as a pathogenic variant, nor has it been reported as a benign variant to our knowledge. The variant has been observed in 1/6614 (0.015%) alleles from individuals of Finnish background in the ExAC dataset (Lek et al., 2016). V933M is a conservative amino acid substitution, which is not likely to impact secondary protein structure as these residues share similar properties. Additionally, this substitution occurs at a position where amino acids with similar properties to Valine are tolerated across species. In silico analysis is inconsistent in its predictions as to whether or not the variant is damaging to the protein structure/function. In summary, based on the currently available information, it is unclear whether this variant is a pathogenic variant or a rare benign variant.

NM_170665.4(ATP2A2):c.2797G>A (p.Val933Met)

Gene: ATP2A2 (ATPase sarcoplasmic/endoplasmic reticulum Ca2+ transporting 2; plus strand). Cytogenetic location: 12q24.11.
Variant type: single nucleotide variant.
Coding change: c.2797G>A on transcript NM_170665.4 (MANE Select); coding-DNA position 2797, G replaced by A.
Protein change: p.Val933Met; replaces valine 933 with methionine.
Molecular consequence: missense variant.
Genome position (GRCh38, 1-based): chr12:110,346,056, G>A. VCF-style: chr12-110346056-G-A. GRCh37 (hg19) VCF-style: chr12-110783861-G-A.
Other names: c.2797G>A, p.Val933Met (NM_001681.4); short protein forms V933M.
Identifiers: ClinVar variation 424111 (VCV000424111.6), dbSNP rs372102705, ClinGen allele CA6784222.
Genomic context (GRCh38, chr12:110,346,056, plus strand): 5'-TGCAGCTTGTCCGAAAACCAGTCCTTGCTGAGGATGCCCCCCTGGGAGAACATCTGGCTC[G>A]TGGGCTCCATCTGCCTGTCCATGTCACTCCACTTCCTGATCCTCTATGTCGAACCCTTGC-3'
Protein context (NP_733765.1, residues 923-943): RMPPWENIWL[Val933Met]GSICLSMSLH